The following is an entry in ClinVar:

ClinVar aggregate classification (germline): Benign. Review status: criteria provided, multiple submitters, no conflicts (2 of 4 stars). 2 submissions from 2 submitters: Benign (2). Last evaluated 2018-06-18.

Allele frequency attached by ClinVar (database versions not stated): gnomAD exomes 0.00285; gnomAD 0.01730 and 0.01853; 1000 Genomes Project 30x 0.01796; 1000 Genomes Project 0.01817; TOPMed 0.01987.
gnomAD v4.1: 4,231 of 692,428 alleles (0.61%); highest among the groups gnomAD compares: African/African-American, 5.7%; 98 homozygotes.

Submissions (2):

GeneDx
Classification: Benign. Last evaluated: 2018-06-18. Review status: criteria provided, single submitter. Criteria: GeneDx Variant Classification (06012015). Collection method: clinical testing. Allele origin: germline. Affected: yes.
Comment: This variant is considered likely benign or benign based on one or more of the following criteria: it is a conservative change, it occurs at a poorly conserved position in the protein, it is predicted to be benign by multiple in silico algorithms, and/or has population frequency not consistent with disease.

Breakthrough Genomics
Classification: Benign. Review status: criteria provided, single submitter. Criteria: ACMG Guidelines, 2015. Collection method: not provided. Allele origin: germline. Inheritance: Autosomal recessive inheritance. Affected: yes.

NM_006231.4(POLE):c.6658-200C>T

Gene: POLE (DNA polymerase epsilon, catalytic subunit; minus strand). Cytogenetic location: 12q24.33.
Variant type: single nucleotide variant.
Coding change: c.6658-200C>T on transcript NM_006231.4 (MANE Select); 200 bases into the intron before coding-DNA position 6658, C replaced by T.
Molecular consequence: intron variant.
Genome position (GRCh38, 1-based): chr12:132,625,194, G>A on the plus strand (C>T on the coding strand, the complement: POLE is on the minus strand). VCF-style: chr12-132625194-G-A. GRCh37 (hg19) VCF-style: chr12-133201780-G-A.
Identifiers: ClinVar variation 679782 (VCV000679782.2), dbSNP rs116604262, ClinGen allele CA246285653.